The following is an entry in ClinVar:

ClinVar aggregate classification (germline): Uncertain significance (1 of 4 stars; one submission).

Submission:

Ambry Genetics
Classification: Uncertain significance. Last evaluated: 2025-11-19. Review status: criteria provided, single submitter. Criteria: Ambry Variant Classification Scheme 2023. Collection method: clinical testing. Allele origin: germline.
Comment: The p.T525S variant (also known as c.1574C>G), located in coding exon 2 of the CDK12 gene, results from a C to G substitution at nucleotide position 1574. The threonine at codon 525 is replaced by serine, an amino acid with similar properties. This amino acid position is conserved. In addition, this alteration is predicted to be tolerated by in silico analysis. Based on the available evidence, the clinical significance of this variant remains unclear.

NM_016507.4(CDK12):c.1574C>G (p.Thr525Ser)

Gene: CDK12 (cyclin dependent kinase 12; plus strand). Cytogenetic location: 17q12.
Variant type: single nucleotide variant.
Coding change: c.1574C>G on transcript NM_016507.4 (MANE Select); coding-DNA position 1574, C replaced by G.
Protein change: p.Thr525Ser; replaces threonine 525 with serine.
Molecular consequence: missense variant.
Genome position (GRCh38, 1-based): chr17:39,471,406, C>G. VCF-style: chr17-39471406-C-G. GRCh37 (hg19) VCF-style: chr17-37627659-C-G.
Other names: c.1574C>G, p.Thr525Ser (NM_015083.4); short protein forms T525S.
Identifiers: ClinVar variation 4651451 (VCV004651451.1).